The following is an entry in ClinVar:

NM_002439.5(MSH3):c.2828A>C (p.Asp943Ala)

Gene: MSH3 (mutS homolog 3; plus strand). Cytogenetic location: 5q14.1.
Variant type: single nucleotide variant.
Coding change: c.2828A>C on transcript NM_002439.5 (MANE Select); coding-DNA position 2828, A replaced by C.
Protein change: p.Asp943Ala; replaces aspartic acid 943 with alanine.
Molecular consequence: missense variant.
Genome position (GRCh38, 1-based): chr5:80,854,144, A>C. VCF-style: chr5-80854144-A-C. GRCh37 (hg19) VCF-style: chr5-80149963-A-C.
Other names: short protein forms D943A.
Identifiers: ClinVar variation 1796517 (VCV001796517.2), dbSNP rs1745876381, ClinGen allele CA360275481.

ClinVar aggregate classification (germline): Uncertain significance (1 of 4 stars; one submission).

Conditions:
Hereditary cancer-predisposing syndrome. Also called: Tumor predisposition; Hereditary Cancer Syndrome; Neoplastic Syndromes, Hereditary; Hereditary neoplastic syndrome. Identifiers: Orphanet 140162, MedGen C0027672, MeSH D009386, MONDO:0015356.

Submission:

Ambry Genetics
Classification: Uncertain significance for Hereditary cancer-predisposing syndrome. Last evaluated: 2022-02-12. Review status: criteria provided, single submitter. Criteria: Ambry Variant Classification Scheme 2023. Collection method: clinical testing. Allele origin: germline.
Comment: The p.D943A variant (also known as c.2828A>C), located in coding exon 21 of the MSH3 gene, results from an A to C substitution at nucleotide position 2828. The aspartic acid at codon 943 is replaced by alanine, an amino acid with dissimilar properties. This amino acid position is conserved. In addition, this alteration is predicted to be deleterious by in silico analysis. Since supporting evidence is limited at this time, the clinical significance of this alteration remains unclear.